The following is an entry in ClinVar:

ClinVar aggregate classification (germline): Uncertain significance (1 of 4 stars; one submission).

Conditions:
Familial thoracic aortic aneurysm and aortic dissection (TAAD). Also called: Thoracic aortic aneurysms and dissections. Identifiers: Orphanet 91387, MedGen C4707243, MONDO:0019625.

Submission:

Ambry Genetics
Classification: Uncertain significance for Familial thoracic aortic aneurysm and aortic dissection. Last evaluated: 2016-12-21. Review status: criteria provided, single submitter. Criteria: Ambry Variant Classification Scheme 2023. Collection method: clinical testing. Allele origin: germline.
Comment: The p.C997Y variant (also known as c.2990G>A), located in coding exon 22 of the MED12 gene, results from a G to A substitution at nucleotide position 2990. The cysteine at codon 997 is replaced by tyrosine, an amino acid with highly dissimilar properties. This amino acid position is highly conserved in available vertebrate species. In addition, this alteration is predicted to be deleterious by in silico analysis. Since supporting evidence is limited at this time, the clinical significance of this alteration remains unclear.

NM_005120.3(MED12):c.2990G>A (p.Cys997Tyr)

Gene: MED12 (mediator complex subunit 12; plus strand). Cytogenetic location: Xq13.1.
Variant type: single nucleotide variant.
Coding change: c.2990G>A on transcript NM_005120.3 (MANE Select); coding-DNA position 2990, G replaced by A.
Protein change: p.Cys997Tyr; replaces cysteine 997 with tyrosine.
Molecular consequence: missense variant.
Genome position (GRCh38, 1-based): chrX:71,127,901, G>A. VCF-style: chrX-71127901-G-A. GRCh37 (hg19) VCF-style: chrX-70347751-G-A.
Other names: short protein forms C997Y.
Identifiers: ClinVar variation 519908 (VCV000519908.5), dbSNP rs1556336381, ClinGen allele CA413516890.
Genomic context (GRCh38, chrX:71,127,901, plus strand): 5'-ACCTCAGCAGGCCTTCTTCAACACTACTATCTCCTTTCCTCCATCCCTGCAGCGACTTTT[G>A]CTCAAAGGTGAAGAACACCATCTACTGCAACGTGGAGCCATCGGAATCAAATATGCGCTG-3'
Protein context (NP_005111.2, residues 987-1007): NKFGELFSDF[Cys997Tyr]SKVKNTIYCN